The following is an entry in ClinVar:

ClinVar aggregate classification (germline): Benign. Review status: criteria provided, multiple submitters, no conflicts (2 of 4 stars). 2 submissions from 2 submitters: Benign (2). Last evaluated 2018-11-16.

Conditions:
Inherited prion disease. Identifiers: Orphanet 280400, MedGen C5679775, MONDO:0017234.

Allele frequency attached by ClinVar (database versions not stated): 1000 Genomes Project 30x 0.00344; 1000 Genomes Project 0.00359; TOPMed 0.00670; ExAC 0.00766; gnomAD 0.01107 and 0.01146; gnomAD exomes 0.01202.

Submissions (2):

GeneDx
Classification: Benign. Last evaluated: 2018-11-16. Review status: criteria provided, single submitter. Criteria: GeneDx Variant Classification Process June 2021. Collection method: clinical testing. Allele origin: germline. Affected: yes.

Illumina Laboratory Services, Illumina
Classification: Benign for Genetic prion diseases. Last evaluated: 2018-01-13. Review status: criteria provided, single submitter. Criteria: ICSL Variant Classification Criteria 13 December 2019. Collection method: clinical testing. Allele origin: germline.
Comment: This variant was observed in the ICSL laboratory as part of a predisposition screen in an ostensibly healthy population. It had not been previously curated by ICSL or reported in the Human Gene Mutation Database (HGMD: prior to June 1st, 2018), and was therefore a candidate for classification through an automated scoring system. Utilizing variant allele frequency, disease prevalence and penetrance estimates, and inheritance mode, an automated score was calculated to assess if this variant is too frequent to cause the disease. Based on the score and internal cut-off values, a variant classified as benign is not then subjected to further curation. The score for this variant resulted in a classification of benign for this disease.

NM_000311.5(PRNP):c.*206A>G

Gene: PRNP (prion protein (Kanno blood group); plus strand). Cytogenetic location: 20p13.
Variant type: single nucleotide variant.
Coding change: c.*206A>G on transcript NM_000311.5 (MANE Select); 206 bases downstream of the stop codon, A replaced by G.
Molecular consequence: 3 prime UTR variant.
Genome position (GRCh38, 1-based): chr20:4,700,188, A>G. VCF-style: chr20-4700188-A-G. GRCh37 (hg19) VCF-style: chr20-4680834-A-G.
Other names: c.*206A>G (NM_001080121.3, NM_001080122.3, NM_001080123.3 and 1 more transcripts); c.*657A>G (NM_001271561.3).
Identifiers: ClinVar variation 338657 (VCV000338657.7), dbSNP rs41279420, ClinGen allele CA9752151.